The following is an entry in ClinVar:

NM_000531.6(OTC):c.236G>A (p.Gly79Glu)

Gene: OTC (ornithine transcarbamylase; plus strand). Cytogenetic location: Xp11.4.
Variant type: single nucleotide variant.
Coding change: c.236G>A on transcript NM_000531.6 (MANE Select); coding-DNA position 236, G replaced by A.
Protein change: p.Gly79Glu; replaces glycine 79 with glutamic acid.
Molecular consequence: missense variant.
Genome position (GRCh38, 1-based): chrX:38,369,815, G>A. VCF-style: chrX-38369815-G-A. GRCh37 (hg19) VCF-style: chrX-38229068-G-A.
Other names: G47E; short protein forms G79E.
Identifiers: ClinVar variation 11006 (VCV000011006.4), dbSNP rs72554331, ClinGen allele CA224511.

ClinVar aggregate classification (germline): Likely pathogenic. Review status: criteria provided, single submitter (1 of 4 stars). 3 submissions from 3 submitters: Likely pathogenic (1). 2 of the submissions do not count toward it. Last evaluated 2025-01-31.

Conditions:
Ornithine carbamoyltransferase deficiency (OTCD). Also called: ORNITHINE TRANSCARBAMYLASE DEFICIENCY, HYPERAMMONEMIA DUE TO; OTC DEFICIENCY; ORNITHINE TRANSCARBAMYLASE DEFICIENCY; Ornithine Carbamoyltransferase Deficiency Disease. Identifiers: Orphanet 664, MedGen C0268542, MONDO:0010703, OMIM 311250.

Submissions (3):

Women's Health and Genetics/Laboratory Corporation of America, LabCorp
Classification: Likely pathogenic for Ornithine carbamoyltransferase deficiency. Last evaluated: 2025-01-31. Review status: criteria provided, single submitter. Criteria: LabCorp Variant Classification Summary - May 2015. Collection method: clinical testing. Allele origin: germline.
Comment: Variant summary: OTC c.236G>A (p.Gly79Glu) results in a non-conservative amino acid change located in the Aspartate/ornithine carbamoyltransferase, carbamoyl-P binding domian (IPR006132) of the encoded protein sequence. Five of five in-silico tools predict a damaging effect of the variant on protein function. The variant was absent in 182630 control chromosomes (gnomAD). c.236G>A has been reported in the literature in individuals affected with Ornithine Transcarbamylase Deficiency (Tuchman_1992, McCullough_2000). At least one publication reports experimental evidence evaluating an impact on protein function and this variant affected OTC protein function (Tuchman_2002). The following publications have been ascertained in the context of this evaluation (PMID: 36303552, 37146589, 28324312, 10946359, 11793468, 1480464, 16786505). ClinVar contains an entry for this variant (Variation ID: 11006). Based on the evidence outlined above, the variant was classified as likely pathogenic.

OMIM
Classification: Pathogenic for ORNITHINE TRANSCARBAMYLASE DEFICIENCY. Last evaluated: 2002-02-01. Review status: no assertion criteria provided. Collection method: literature only. Allele origin: germline. Not counted in ClinVar's aggregate classification.

GenMed Metabolism Lab
Classification: Pathogenic. Review status: no assertion criteria provided. Collection method: not provided. Allele origin: unknown. Not counted in ClinVar's aggregate classification.
Comment: p.Gly79Glu, Neonatal
ClinVar note: Converted during submission from pathogenic to Pathogenic.

Literature cited by the submitters: PubMed 16786505 (cited by Women's Health and Genetics/Laboratory Corporation of America, LabCorp); PubMed 10946359 (cited by Women's Health and Genetics/Laboratory Corporation of America, LabCorp); PubMed 11793468 (cited by Women's Health and Genetics/Laboratory Corporation of America, LabCorp and OMIM); PubMed 28324312 (cited by Women's Health and Genetics/Laboratory Corporation of America, LabCorp); PubMed 36303552 (cited by Women's Health and Genetics/Laboratory Corporation of America, LabCorp); PubMed 37146589 (cited by Women's Health and Genetics/Laboratory Corporation of America, LabCorp); PubMed 1480464 (cited by Women's Health and Genetics/Laboratory Corporation of America, LabCorp).